The following is an entry in ClinVar:

NM_001909.5(CTSD):c.-30G>C

Genes: CTSD (cathepsin D; minus strand), LOC130005119 (ATAC-STARR-seq lymphoblastoid silent region 3058; plus strand). Cytogenetic location: 11p15.5.
Variant type: single nucleotide variant.
Coding change: c.-30G>C on transcript NM_001909.5 (MANE Select); 30 bases upstream of the start codon, G replaced by C.
Molecular consequence: 5 prime UTR variant.
Genome position (GRCh38, 1-based): chr11:1,763,889, C>G on the plus strand (G>C on the coding strand, the complement: CTSD is on the minus strand). VCF-style: chr11-1763889-C-G. GRCh37 (hg19) VCF-style: chr11-1785119-C-G.
Identifiers: ClinVar variation 382340 (VCV000382340.1), dbSNP rs937590868, ClinGen allele CA16606206.
Genomic context (GRCh38, chr11:1,763,889, plus strand): 5'-GGGCGAGCGGCAGAAGGCTGGAGGGCTGCATGGCGGCGGCGGCCGGGTCGGAGAGGGTCG[C>G]CGAGGCCGTGCGCTTATAGCCGGGATGACGCCGCAGTTGGGCCGGATCAGCTGACCCGCG-3'

ClinVar aggregate classification (germline): Likely benign (1 of 4 stars; one submission).

Allele frequency attached by ClinVar (database versions not stated): gnomAD 0.00001; TOPMed 0.00001; gnomAD exomes 0.00006.
gnomAD v4.1: 74 of 1,515,790 alleles (0.0049%); highest among the groups gnomAD compares: Non-Finnish European, 0.0063%; no homozygotes.

Submission:

GeneDx
Classification: Likely benign. Last evaluated: 2015-12-22. Review status: criteria provided, single submitter. Criteria: GeneDx Variant Classification (06012015). Collection method: clinical testing. Allele origin: germline. Affected: yes.
Comment: This variant is considered likely benign or benign based on one or more of the following criteria: it is a conservative change, it occurs at a poorly conserved position in the protein, it is predicted to be benign by multiple in silico algorithms, and/or has population frequency not consistent with disease.